The following is an entry in ClinVar:

ClinVar aggregate classification (germline): Uncertain significance (1 of 4 stars; one submission).

Conditions:
Diamond-Blackfan anemia 10 (DBA10). Also called: RPS26-Related Diamond-Blackfan Anemia. Identifiers: Orphanet 124, MedGen C2750080, MONDO:0013217, OMIM 613309.

Submission:

Labcorp Genetics (formerly Invitae), Labcorp
Classification: Uncertain significance for Diamond-Blackfan anemia 10. Last evaluated: 2025-08-26. Review status: criteria provided, single submitter. Criteria: Invitae Variant Classification Sherloc (09022015). Collection method: clinical testing. Allele origin: germline.
Comment: This sequence change falls in intron 2 of the RPS26 gene. It does not directly change the encoded amino acid sequence of the RPS26 protein. It affects a nucleotide within the consensus splice site. This variant is not present in population databases (gnomAD no frequency). This variant has not been reported in the literature in individuals affected with RPS26-related conditions. Variants that disrupt the consensus splice site are a relatively common cause of aberrant splicing (PMID: 17576681, 9536098). Algorithms developed to predict the effect of sequence changes on RNA splicing suggest that this variant may disrupt the consensus splice site. In summary, the available evidence is currently insufficient to determine the role of this variant in disease. Therefore, it has been classified as a Variant of Uncertain Significance.

Literature cited by the submitters: PubMed 17576681; PubMed 9536098.

NM_001029.5(RPS26):c.181+5G>C

Gene: RPS26 (ribosomal protein S26; plus strand). Cytogenetic location: 12q13.2.
Variant type: single nucleotide variant.
Coding change: c.181+5G>C on transcript NM_001029.5 (MANE Select); 5 bases into the intron after coding-DNA position 181, G replaced by C.
Molecular consequence: intron variant.
Genome position (GRCh38, 1-based): chr12:56,042,607, G>C. VCF-style: chr12-56042607-G-C. GRCh37 (hg19) VCF-style: chr12-56436391-G-C.
Identifiers: ClinVar variation 4725797 (VCV004725797.1).
Genomic context (GRCh38, chr12:56,042,607, plus strand): 5'-AAACATAGTGGAGGCCGCAGCAGTCAGGGACATTTCTGAAGCGAGCGTCTTCGATGGTAA[G>C]TGGGTCACCGGCGCGAACTGTGTGAGGATCCCAGTATCTTAAAGCCTTCGCCCAACTTCG-3'